The following is an entry in ClinVar:

NM_001267550.2(TTN):c.7042_7045dup (p.Leu2349Ter)

Genes: TTN (titin; minus strand), LOC126806433 (BRD4-independent group 4 enhancer GRCh37_chr2:179638309-179639508; plus strand). Cytogenetic location: 2q31.2.
Variant type: Duplication.
Coding change: c.7042_7045dup on transcript NM_001267550.2 (MANE Select); coding-DNA positions 7042 to 7045, 4 bases duplicated (AAAT; older notation c.7042_7045dupAAAT).
Protein change: p.Leu2349Ter; replaces leucine 2349 with a stop codon.
Molecular consequence: nonsense.
Genome position (GRCh38, 1-based): chr2:178,774,219-178,774,222, ATTT duplicated on the plus strand (AAAT on the coding strand, the reverse complement: TTN is on the minus strand); duplicating any 4 consecutive bases within chr2:178,774,219-178,774,223 gives the same sequence; the c. name uses the placement nearest the transcript's 3' end. VCF-style (leftmost placement, unchanged base first): chr2-178774218-A-AATTT. GRCh37 (hg19) VCF-style: chr2-179638945-A-AATTT.
Other names: c.7042_7045dup, p.Leu2349Ter (NM_001256850.1, NM_133378.4, NM_133379.5); c.6904_6907dup, p.Leu2303Ter (NM_003319.4, NM_133432.3, NM_133437.4); short protein forms L2349*, L2303*.
Identifiers: ClinVar variation 2942050 (VCV002942050.3), dbSNP rs2532721071, ClinGen allele CA2740095940.
Genomic context (GRCh38, chr2:178,774,218, plus strand): 5'-TAAACCATAATGATGCTCACTGCAGGCTGACAGGAATGGGAGGACTTACGTTTCATCTTT[A>AATTT]ATTTACAGGTTGTCTTTTTCCCGTCGATGACAAAGCTGTATTCTCCCTGGTCCTCCTTGG-3'

ClinVar aggregate classification (germline): Likely pathogenic (1 of 4 stars; one submission).

Conditions:
Dilated cardiomyopathy 1G (CMD1G). Identifiers: Orphanet 154, MedGen C1858763, MONDO:0011400, OMIM 604145.
Autosomal recessive limb-girdle muscular dystrophy type 2J (LGMDR10). Also called: MUSCULAR DYSTROPHY, LIMB-GIRDLE, AUTOSOMAL RECESSIVE 10; Limb-girdle muscular dystrophy, type 2J. Identifiers: Orphanet 140922, MedGen C1837342, MONDO:0012127, OMIM 608807.

Submission:

Labcorp Genetics (formerly Invitae), Labcorp
Classification: Likely pathogenic for Dilated cardiomyopathy 1G; Autosomal recessive limb-girdle muscular dystrophy type 2J. Last evaluated: 2024-11-04. Review status: criteria provided, single submitter. Criteria: Invitae Variant Classification Sherloc (09022015). Collection method: clinical testing. Allele origin: germline.
Comment: This sequence change creates a premature translational stop signal (p.Leu2349*) in the TTN gene. While this is not anticipated to result in nonsense mediated decay, it is expected to create a truncated TTN protein. This variant is not present in population databases (gnomAD no frequency). This variant has not been reported in the literature in individuals affected with TTN-related conditions. ClinVar contains an entry for this variant (Variation ID: 2942050). This variant is located in the I band of TTN (PMID: 25589632). Truncating variants in this region have been reported in individuals affected with autosomal recessive centronuclear myopathy (PMID: 23975875, internal data). Truncating variants in this region have also been identified in individuals affected with autosomal dominant dilated cardiomyopathy and/or cardio-related conditions (PMID: 27869827, 32964742, internal data). In summary, the currently available evidence indicates that the variant is pathogenic, but additional data are needed to prove that conclusively. Therefore, this variant has been classified as Likely Pathogenic.

Literature cited by the submitters: PubMed 25589632; PubMed 23975875; PubMed 27869827; PubMed 32964742.